The following is an entry in ClinVar:

ClinVar aggregate classification (germline): Uncertain significance (1 of 4 stars; one submission).

Submission:

GeneDx
Classification: Uncertain significance. Last evaluated: 2023-01-10. Review status: criteria provided, single submitter. Criteria: GeneDx Variant Classification Process June 2021. Collection method: clinical testing. Allele origin: germline. Affected: yes.
Comment: Not observed at significant frequency in large population cohorts (gnomAD); In silico analysis supports that this missense variant does not alter protein structure/function; Has not been previously published as pathogenic or benign to our knowledge.

NM_001375524.1(TRRAP):c.6182C>T (p.Ser2061Phe)

Gene: TRRAP (transformation/transcription domain associated protein; plus strand). Cytogenetic location: 7q22.1.
Variant type: single nucleotide variant.
Coding change: c.6182C>T on transcript NM_001375524.1 (MANE Select); coding-DNA position 6182, C replaced by T.
Protein change: p.Ser2061Phe; replaces serine 2061 with phenylalanine.
Molecular consequence: missense variant.
Genome position (GRCh38, 1-based): chr7:98,956,484, C>T. VCF-style: chr7-98956484-C-T. GRCh37 (hg19) VCF-style: chr7-98554107-C-T.
Other names: c.6161C>T, p.Ser2054Phe (NM_001244580.2); c.6107C>T, p.Ser2036Phe (NM_003496.4); short protein forms S2036F, S2054F, S2061F.
Identifiers: ClinVar variation 2571983 (VCV002571983.1), dbSNP rs2484879552, ClinGen allele CA368327336.
Genomic context (GRCh38, chr7:98,956,484, plus strand): 5'-CCAGTGGAGAAGGAGTCAATTCTGTCTCATCCTCCATTAAGAGAGGCCTGTCCGTGGATT[C>T]TGCCCAGGAAGTGAAACGCTTTAGGACGGCCACCGGAGCCATCAGTGCAGTAAGATCATG-3'
Protein context (NP_001362453.1, residues 2051-2071): SSIKRGLSVD[Ser2061Phe]AQEVKRFRTA